The following is an entry in ClinVar:

NM_001374385.1(ATP8B1):c.740A>C (p.Asp247Ala)

Gene: ATP8B1 (ATPase phospholipid transporting 8B1; minus strand). Cytogenetic location: 18q21.31.
Variant type: single nucleotide variant.
Coding change: c.740A>C on transcript NM_001374385.1 (MANE Select); coding-DNA position 740, A replaced by C.
Protein change: p.Asp247Ala; replaces aspartic acid 247 with alanine.
Molecular consequence: missense variant.
Genome position (GRCh38, 1-based): chr18:57,695,491, T>G on the plus strand (A>C on the coding strand, the complement: ATP8B1 is on the minus strand). VCF-style: chr18-57695491-T-G. GRCh37 (hg19) VCF-style: chr18-55362723-T-G.
Other names: c.590A>C, p.Asp197Ala (NM_001374386.1); c.740A>C, p.Asp247Ala (NM_005603.6); short protein forms D247A, D197A.
Identifiers: ClinVar variation 4592283 (VCV004592283.2).

ClinVar aggregate classification (germline): Uncertain significance. Review status: criteria provided, multiple submitters, no conflicts (2 of 4 stars). 2 submissions from 2 submitters: Uncertain significance (2). Last evaluated 2026-07-24.

Conditions:
ATP8B1-related disorder. Also called: ATP8B1-related condition; ATP8B1-related disorders.
Inborn genetic diseases. Identifiers: MedGen C0950123, MeSH D030342.

gnomAD v4.1: 8 of 1,612,806 alleles (0.0005%); highest among the groups gnomAD compares: African/African-American, 0.0053%; no homozygotes.

Submissions (2):

PreventionGenetics, part of Exact Sciences
Classification: Uncertain significance for ATP8B1-related condition. Last evaluated: 2026-07-24. Review status: criteria provided, single submitter. Criteria: ACMG Guidelines, 2015. Collection method: clinical testing. Allele origin: germline.
Comment: The ATP8B1 c.740A>C variant is predicted to result in the amino acid substitution p.Asp247Ala. To our knowledge, this variant has not been reported in the literature. This variant is reported in 0.0080% of alleles in individuals of African descent in gnomAD. At this time, the clinical significance of this variant is uncertain due to the absence of conclusive functional and genetic evidence.

Ambry Genetics
Classification: Uncertain significance for Inborn genetic diseases. Last evaluated: 2025-09-26. Review status: criteria provided, single submitter. Criteria: Ambry Variant Classification Scheme 2023. Collection method: clinical testing. Allele origin: germline.